The following is an entry in ClinVar:

NM_001164508.2(NEB):c.10144-10_10144-9delinsG

Gene: NEB (nebulin; minus strand). Cytogenetic location: 2q23.3.
Variant type: Indel.
Coding change: c.10144-10_10144-9delinsG on transcript NM_001164508.2 (MANE Select); 10 bases into the intron before coding-DNA position 10144 through 9 bases into the intron before coding-DNA position 10144, AT replaced by G.
Molecular consequence: intron variant.
Genome position (GRCh38, 1-based): chr2:151,627,214-151,627,215, AT replaced by C on the plus strand (AT replaced by G on the coding strand, the reverse complement: NEB is on the minus strand). VCF-style: chr2-151627214-AT-C. GRCh37 (hg19) VCF-style: chr2-152483728-AT-C.
Other names: c.9415-10_9415-9delinsG (NM_004543.5); c.10144-10_10144-9delinsG (NM_001164507.2, NM_001271208.2).
Identifiers: ClinVar variation 533970 (VCV000533970.5), dbSNP rs1553928417, ClinGen allele CA658795886.

ClinVar aggregate classification (germline): Uncertain significance (1 of 4 stars; one submission).

Conditions:
Nemaline myopathy 2 (NEM2). Also called: Nemaline myopathy 2, autosomal recessive. Identifiers: MedGen C1850569, MONDO:0009725, OMIM 256030.

Submission:

Labcorp Genetics (formerly Invitae), Labcorp
Classification: Uncertain significance for Nemaline myopathy 2. Last evaluated: 2022-02-03. Review status: criteria provided, single submitter. Criteria: Invitae Variant Classification Sherloc (09022015). Collection method: clinical testing. Allele origin: germline.
Comment: In summary, the available evidence is currently insufficient to determine the role of this variant in disease. Therefore, it has been classified as a Variant of Uncertain Significance. Algorithms developed to predict the effect of sequence changes on RNA splicing suggest that this variant may disrupt the consensus splice site. This variant has not been reported in the literature in individuals affected with NEB-related conditions. This variant is not present in population databases (gnomAD no frequency). This sequence change falls in intron 69 of the NEB gene. It does not directly change the encoded amino acid sequence of the NEB protein.